The following is an entry in ClinVar:

ClinVar aggregate classification (germline): Uncertain significance (1 of 4 stars; one submission).

Allele frequency attached by ClinVar (database versions not stated): gnomAD exomes 0.00001; ExAC 0.00008; 1000 Genomes Project 30x 0.00016; gnomAD 0.00017; 1000 Genomes Project 0.00020; ESP Exome Variant Server 0.00023; TOPMed 0.00025.
gnomAD v4.1: 46 of 1,614,130 alleles (0.0028%); highest among the groups gnomAD compares: African/African-American, 0.043%; no homozygotes.

Submission:

Labcorp Genetics (formerly Invitae), Labcorp
Classification: Uncertain significance. Last evaluated: 2022-11-08. Review status: criteria provided, single submitter. Criteria: Invitae Variant Classification Sherloc (09022015). Collection method: clinical testing. Allele origin: germline.
Comment: In summary, the available evidence is currently insufficient to determine the role of this variant in disease. Therefore, it has been classified as a Variant of Uncertain Significance. Advanced modeling of protein sequence and biophysical properties (such as structural, functional, and spatial information, amino acid conservation, physicochemical variation, residue mobility, and thermodynamic stability) performed at Invitae indicates that this missense variant is not expected to disrupt NDUFS3 protein function. This variant has not been reported in the literature in individuals affected with NDUFS3-related conditions. This variant is present in population databases (rs201626967, gnomAD 0.07%). This sequence change replaces aspartic acid, which is acidic and polar, with asparagine, which is neutral and polar, at codon 214 of the NDUFS3 protein (p.Asp214Asn).

NM_004551.3(NDUFS3):c.640G>A (p.Asp214Asn)

Gene: NDUFS3 (NADH:ubiquinone oxidoreductase core subunit S3; plus strand). Cytogenetic location: 11p11.2.
Variant type: single nucleotide variant.
Coding change: c.640G>A on transcript NM_004551.3 (MANE Select); coding-DNA position 640, G replaced by A.
Protein change: p.Asp214Asn; replaces aspartic acid 214 with asparagine.
Molecular consequence: missense variant.
Genome position (GRCh38, 1-based): chr11:47,584,326, G>A. VCF-style: chr11-47584326-G-A. GRCh37 (hg19) VCF-style: chr11-47605878-G-A.
Other names: short protein forms D214N.
Identifiers: ClinVar variation 2071161 (VCV002071161.3), dbSNP rs201626967, ClinGen allele CA5978060.